The following is an entry in ClinVar:

ClinVar aggregate classification (germline): Uncertain significance. Review status: criteria provided, multiple submitters, no conflicts (2 of 4 stars). 2 submissions from 2 submitters: Uncertain significance (2). Last evaluated 2026-08-10.

Conditions:
Cardiovascular phenotype. Identifiers: MedGen CN230736.
Long QT syndrome (LQTS). Identifiers: MedGen C0023976, MeSH D008133, MONDO:0002442. Disease mechanism: loss of function. Inheritance: Various modes of inheritance.

Allele frequency attached by ClinVar (database versions not stated): gnomAD exomes below 0.00001.
gnomAD v4.1: 1 of 1,465,692 alleles (0.000068%); highest among the groups gnomAD compares: African/African-American, 0.0015%; no homozygotes.

Submissions (2):

Ambry Genetics
Classification: Uncertain significance for Cardiovascular phenotype. Last evaluated: 2026-08-10. Review status: criteria provided, single submitter. Criteria: Ambry Variant Classification Scheme 2023. Collection method: clinical testing. Allele origin: germline.
Comment: The p.E177A variant (also known as c.530A>C), located in coding exon 4 of the KCNH2 gene, results from an A to C substitution at nucleotide position 530. The glutamic acid at codon 177 is replaced by alanine, an amino acid with dissimilar properties. This amino acid position is conserved. In addition, the in silico prediction for this alteration is inconclusive. Based on the available evidence, the clinical significance of this variant remains unclear.

Labcorp Genetics (formerly Invitae), Labcorp
Classification: Uncertain significance for Long QT syndrome. Last evaluated: 2021-09-01. Review status: criteria provided, single submitter. Criteria: Invitae Variant Classification Sherloc (09022015). Collection method: clinical testing. Allele origin: germline.
Comment: This sequence change replaces glutamic acid with alanine at codon 177 of the KCNH2 protein (p.Glu177Ala). The glutamic acid residue is weakly conserved and there is a moderate physicochemical difference between glutamic acid and alanine. The frequency data for this variant in the population databases is considered unreliable, as metrics indicate insufficient coverage at this position in the ExAC database. This variant has not been reported in the literature in individuals affected with KCNH2-related conditions. Algorithms developed to predict the effect of missense changes on protein structure and function (SIFT, PolyPhen-2, Align-GVGD) all suggest that this variant is likely to be tolerated. In summary, the available evidence is currently insufficient to determine the role of this variant in disease. Therefore, it has been classified as a Variant of Uncertain Significance.

NM_000238.4(KCNH2):c.530A>C (p.Glu177Ala)

Gene: KCNH2 (potassium voltage-gated channel subfamily H member 2; minus strand). Cytogenetic location: 7q36.1.
Variant type: single nucleotide variant.
Coding change: c.530A>C on transcript NM_000238.4 (MANE Select); coding-DNA position 530, A replaced by C.
Protein change: p.Glu177Ala; replaces glutamic acid 177 with alanine.
Molecular consequence: missense variant.
Genome position (GRCh38, 1-based): chr7:150,958,445, T>G on the plus strand (A>C on the coding strand, the complement: KCNH2 is on the minus strand). VCF-style: chr7-150958445-T-G. GRCh37 (hg19) VCF-style: chr7-150655533-T-G.
Other names: c.242A>C, p.Glu81Ala (NM_001406753.1, NM_001406756.1); c.353A>C, p.Glu118Ala (NM_001406755.1); c.230A>C, p.Glu77Ala (NM_001406757.1); c.530A>C, p.Glu177Ala (NM_172056.3); short protein forms E177A, E118A, E77A, E81A.
Identifiers: ClinVar variation 1045316 (VCV001045316.8), dbSNP rs1801461414, ClinGen allele CA369863415.